The following is an entry in ClinVar:

NM_020987.5(ANK3):c.1468G>C (p.Ala490Pro)

Gene: ANK3 (ankyrin 3; minus strand). Cytogenetic location: 10q21.2.
Variant type: single nucleotide variant.
Coding change: c.1468G>C on transcript NM_020987.5 (MANE Select); coding-DNA position 1468, G replaced by C.
Protein change: p.Ala490Pro; replaces alanine 490 with proline.
Molecular consequence: missense variant.
Genome position (GRCh38, 1-based): chr10:60,200,152, C>G on the plus strand (G>C on the coding strand, the complement: ANK3 is on the minus strand). VCF-style: chr10-60200152-C-G. GRCh37 (hg19) VCF-style: chr10-61959910-C-G.
Other names: c.1450G>C, p.Ala484Pro (NM_001204403.2); c.1417G>C, p.Ala473Pro (NM_001204404.2); c.1468G>C, p.Ala490Pro (NM_001320874.2); short protein forms A484P, A473P, A490P.
Identifiers: ClinVar variation 4052144 (VCV004052144.2).

ClinVar aggregate classification (germline): Uncertain significance (1 of 4 stars; one submission).

Conditions:
Inborn genetic diseases. Identifiers: MedGen C0950123, MeSH D030342.

Submission:

Ambry Genetics
Classification: Uncertain significance for Inborn genetic diseases. Last evaluated: 2025-09-16. Review status: criteria provided, single submitter. Criteria: Ambry Variant Classification Scheme 2023. Collection method: clinical testing. Allele origin: germline.
Comment: The c.1468G>C (p.A490P) alteration is located in exon 13 (coding exon 13) of the ANK3 gene. This alteration results from a G to C substitution at nucleotide position 1468, causing the alanine (A) at amino acid position 490 to be replaced by a proline (P). This variant was not reported in population-based cohorts in the Genome Aggregation Database (gnomAD). This amino acid position is highly conserved in available vertebrate species. This alteration is predicted to be deleterious by in silico analysis. Based on insufficient or conflicting evidence, the clinical significance of this alteration remains unclear.